The following is an entry in ClinVar:

ClinVar aggregate classification (germline): Benign (1 of 4 stars; one submission).

Conditions:
Neonatal diabetes mellitus with congenital hypothyroidism. Also called: NDH SYNDROME. Identifiers: Orphanet 79118, MedGen C1857775, MONDO:0012436, OMIM 610199.

Allele frequency attached by ClinVar (database versions not stated): TOPMed 0.00619; 1000 Genomes Project 0.00759; 1000 Genomes Project 30x 0.00859.

Submission:

Illumina Laboratory Services, Illumina
Classification: Benign for Neonatal diabetes mellitus with congenital hypothyroidism. Last evaluated: 2018-01-13. Review status: criteria provided, single submitter. Criteria: ICSL Variant Classification Criteria 13 December 2019. Collection method: clinical testing. Allele origin: germline.
Comment: This variant was observed in the ICSL laboratory as part of a predisposition screen in an ostensibly healthy population. It had not been previously curated by ICSL or reported in the Human Gene Mutation Database (HGMD: prior to June 1st, 2018), and was therefore a candidate for classification through an automated scoring system. Utilizing variant allele frequency, disease prevalence and penetrance estimates, and inheritance mode, an automated score was calculated to assess if this variant is too frequent to cause the disease. Based on the score and internal cut-off values, a variant classified as benign is not then subjected to further curation. The score for this variant resulted in a classification of benign for this disease.

NM_001042413.2(GLIS3):c.*2891G>C

Gene: GLIS3 (GLIS family zinc finger 3; minus strand). Cytogenetic location: 9p24.2.
Variant type: single nucleotide variant.
Coding change: c.*2891G>C on transcript NM_001042413.2 (MANE Select); 2891 bases downstream of the stop codon, G replaced by C.
Molecular consequence: 3 prime UTR variant.
Genome position (GRCh38, 1-based): chr9:3,825,381, C>G on the plus strand (G>C on the coding strand, the complement: GLIS3 is on the minus strand). VCF-style: chr9-3825381-C-G. GRCh37 (hg19) VCF-style: chr9-3825381-C-G.
Other names: c.*2891G>C (NM_152629.4).
Identifiers: ClinVar variation 913798 (VCV000913798.4), dbSNP rs3025, ClinGen allele CA188254720.